The following is an entry in ClinVar:

ClinVar aggregate classification (germline): Uncertain significance (1 of 4 stars; one submission).

Submission:

GeneDx
Classification: Uncertain significance. Last evaluated: 2026-02-06. Review status: criteria provided, single submitter. Criteria: GeneDx Variant Classification Process June 2021. Collection method: clinical testing. Allele origin: germline.
Comment: Not observed at significant frequency in large population cohorts (gnomAD); Nonsense variant predicted to result in protein truncation or nonsense mediated decay in a gene or region of a gene for which loss of function is not a well-established mechanism of disease; Has not been previously published as pathogenic or benign to our knowledge.

NM_001128840.3(CACNA1D):c.5430del (p.Thr1809_Tyr1810insTer)

Gene: CACNA1D (calcium voltage-gated channel subunit alpha1 D; plus strand). Cytogenetic location: 3p21.1.
Variant type: Deletion.
Coding change: c.5430del on transcript NM_001128840.3 (MANE Select); coding-DNA position 5430, one base deleted (C; older notation c.5430delC).
Protein change: p.Thr1809_Tyr1810insTer.
Molecular consequence: nonsense. On other transcripts: intron variant (1).
Genome position (GRCh38, 1-based): chr3:53,802,168, C deleted. VCF-style (leftmost placement, unchanged base first): chr3-53802167-AC-A. GRCh37 (hg19) VCF-style: chr3-53836194-AC-A.
Other names: c.5490del, p.Thr1829_Tyr1830insTer (NM_000720.4); c.5363+743del (NM_001128839.3).
Identifiers: ClinVar variation 4888193 (VCV004888193.1).
Genomic context (GRCh38, chr3:53,802,167, plus strand): 5'-ATCTTCTCCCTCCTTCCCATGTTATGCCTTTCCTGGATAGAACCCGCTATTATGAAACTT[AC>A]ATTAGGTATGTGCTCATTACCTGTTTTTGTGTTAAATACTGTGATGGTATGTTACCAGCT-3'